The following is an entry in ClinVar:

NM_003482.4(KMT2D):c.12780A>T (p.Gln4260His)

Gene: KMT2D (lysine methyltransferase 2D; minus strand). Cytogenetic location: 12q13.12.
Variant type: single nucleotide variant.
Coding change: c.12780A>T on transcript NM_003482.4 (MANE Select); coding-DNA position 12780, A replaced by T.
Protein change: p.Gln4260His; replaces glutamine 4260 with histidine.
Molecular consequence: missense variant.
Genome position (GRCh38, 1-based): chr12:49,031,925, T>A on the plus strand (A>T on the coding strand, the complement: KMT2D is on the minus strand). VCF-style: chr12-49031925-T-A. GRCh37 (hg19) VCF-style: chr12-49425708-T-A.
Other names: c.12780A>T (NM_003482.3); short protein forms Q4260H.
Identifiers: ClinVar variation 1355551 (VCV001355551.7), dbSNP rs555842651, ClinGen allele CA6546135.

ClinVar aggregate classification (germline): Conflicting classifications of pathogenicity. Review status: criteria provided, conflicting classifications (1 of 4 stars). 2 submissions from 2 submitters: Uncertain significance (1); Benign (1). Last evaluated 2025-01-02.

Conditions:
KMT2D-related disorder. Also called: KMT2D-Related Disorders.
Kabuki syndrome. Also called: Kabuki make-up syndrome; NIIKAWA-KUROKI SYNDROME. Identifiers: Orphanet 2322, MedGen C0796004, MONDO:0016512.

Allele frequency attached by ClinVar (database versions not stated): 1000 Genomes Project 0.00020; 1000 Genomes Project 30x 0.00031.
gnomAD v4.1: 2 of 1,536,788 alleles (0.00013%); highest among the groups gnomAD compares: Admixed American, 0.0021%; no homozygotes.

Submissions (2):

PreventionGenetics, part of Exact Sciences
Classification: Uncertain significance for KMT2D-related condition. Last evaluated: 2025-01-02. Review status: criteria provided, single submitter. Criteria: ACMG Guidelines, 2015. Collection method: clinical testing. Allele origin: germline.
Comment: The KMT2D c.12780A>T variant is predicted to result in the amino acid substitution p.Gln4260His. To our knowledge, this variant has not been reported in the literature. This variant is reported in 0.0068% of alleles in individuals of African descent in gnomAD. This variant is interpreted as benign in ClinVar. Although we suspect this variant is benign, at this time, the clinical significance of this variant is uncertain due to the absence of conclusive functional and genetic evidence.

Labcorp Genetics (formerly Invitae), Labcorp
Classification: Benign for Kabuki syndrome. Last evaluated: 2024-08-12. Review status: criteria provided, single submitter. Criteria: Invitae Variant Classification Sherloc (09022015). Collection method: clinical testing. Allele origin: germline.